The following is an entry in ClinVar:

ClinVar aggregate classification (germline): Benign. Review status: criteria provided, multiple submitters, no conflicts (2 of 4 stars). 2 submissions from 2 submitters: Benign (2). Last evaluated 2018-06-19.

Allele frequency attached by ClinVar (database versions not stated): gnomAD exomes 0.08608; gnomAD 0.12428 and 0.12756; 1000 Genomes Project 0.13351; TOPMed 0.13409; 1000 Genomes Project 30x 0.13798.
gnomAD v4.1: 78,460 of 862,579 alleles (9.1%); highest among the groups gnomAD compares: African/African-American, 23%; 3,132 homozygotes.

Submissions (2):

GeneDx
Classification: Benign. Last evaluated: 2018-06-19. Review status: criteria provided, single submitter. Criteria: GeneDx Variant Classification (06012015). Collection method: clinical testing. Allele origin: germline. Affected: yes.
Comment: This variant is considered likely benign or benign based on one or more of the following criteria: it is a conservative change, it occurs at a poorly conserved position in the protein, it is predicted to be benign by multiple in silico algorithms, and/or has population frequency not consistent with disease.

Breakthrough Genomics
Classification: Benign. Review status: criteria provided, single submitter. Criteria: ACMG Guidelines, 2015. Collection method: not provided. Allele origin: germline. Inheritance: X-linked inheritance. Affected: yes.

NM_000252.3(MTM1):c.528+70G>A

Gene: MTM1 (myotubularin 1; plus strand). Cytogenetic location: Xq28.
Variant type: single nucleotide variant.
Coding change: c.528+70G>A on transcript NM_000252.3 (MANE Select); 70 bases into the intron after coding-DNA position 528, G replaced by A.
Molecular consequence: intron variant.
Genome position (GRCh38, 1-based): chrX:150,639,096, G>A. VCF-style: chrX-150639096-G-A. GRCh37 (hg19) VCF-style: chrX-149807569-G-A.
Other names: c.528+70G>A (NM_001376908.1, NM_001376906.1); c.417+70G>A (NM_001376907.1).
Identifiers: ClinVar variation 683214 (VCV000683214.2), dbSNP rs16995740, ClinGen allele CA15038458.